The following is an entry in ClinVar:

ClinVar aggregate classification (germline): Uncertain significance (1 of 4 stars; one submission).

gnomAD v4.1: 3 of 1,614,168 alleles (0.00019%); highest among the groups gnomAD compares: South Asian, 0.0011%; no homozygotes.

Submission:

Labcorp Genetics (formerly Invitae), Labcorp
Classification: Uncertain significance. Last evaluated: 2025-04-28. Review status: criteria provided, single submitter. Criteria: Invitae Variant Classification Sherloc (09022015). Collection method: clinical testing. Allele origin: germline.
Comment: This sequence change replaces serine, which is neutral and polar, with glycine, which is neutral and non-polar, at codon 4067 of the USH2A protein (p.Ser4067Gly). This variant is not present in population databases (gnomAD no frequency). This variant has not been reported in the literature in individuals affected with USH2A-related conditions. ClinVar contains an entry for this variant (Variation ID: 2171619). Invitae Evidence Modeling of protein sequence and biophysical properties (such as structural, functional, and spatial information, amino acid conservation, physicochemical variation, residue mobility, and thermodynamic stability) indicates that this missense variant is not expected to disrupt USH2A protein function with a negative predictive value of 95%. In summary, the available evidence is currently insufficient to determine the role of this variant in disease. Therefore, it has been classified as a Variant of Uncertain Significance.

NM_206933.4(USH2A):c.12199A>G (p.Ser4067Gly)

Gene: USH2A (usherin; minus strand). Cytogenetic location: 1q41.
Variant type: single nucleotide variant.
Coding change: c.12199A>G on transcript NM_206933.4 (MANE Select); coding-DNA position 12199, A replaced by G.
Protein change: p.Ser4067Gly; replaces serine 4067 with glycine.
Molecular consequence: missense variant.
Genome position (GRCh38, 1-based): chr1:215,680,244, T>C on the plus strand (A>G on the coding strand, the complement: USH2A is on the minus strand). VCF-style: chr1-215680244-T-C. GRCh37 (hg19) VCF-style: chr1-215853586-T-C.
Other names: short protein forms S4067G.
Identifiers: ClinVar variation 2171619 (VCV002171619.2), dbSNP rs200202244, ClinGen allele CA344816121.